The following is an entry in ClinVar:

NM_000548.5(TSC2):c.2356-1G>C

Gene: TSC2 (TSC complex subunit 2; plus strand). Cytogenetic location: 16p13.3.
Variant type: single nucleotide variant.
Coding change: c.2356-1G>C on transcript NM_000548.5 (MANE Select); the canonical splice acceptor site of the intron before coding-DNA position 2356, G replaced by C.
Molecular consequence: splice acceptor variant.
Genome position (GRCh38, 1-based): chr16:2,074,199, G>C. VCF-style: chr16-2074199-G-C. GRCh37 (hg19) VCF-style: chr16-2124200-G-C.
Other names: c.1756-1G>C (NM_001406682.1, NM_001406684.1, NM_001406685.1 and 6 more transcripts); c.2299-1G>C (NM_001406677.1); c.2209-1G>C (NM_001406675.1, NM_001406676.1, NM_001318829.2 and 1 more transcripts); c.2389-1G>C (NM_001318832.2); c.1012-1G>C (NM_001406693.1, NM_001406689.1, NM_001406690.1 and 6 more transcripts); c.2446-1G>C (NM_001406667.1, NM_001406668.1); c.754-1G>C (NM_001406698.1); c.2356-1G>C (NM_001114382.3, NM_001406663.1, NM_001406664.1 and 6 more transcripts); and 3 more.
Identifiers: ClinVar variation 658503 (VCV000658503.9), dbSNP rs45481704, ClinGen allele CA394276918.
Genomic context (GRCh38, chr16:2,074,199, plus strand): 5'-GGGTAGGCGAGGCTGCCTCTGCTGCAAGCGGGTGGGGCCTGAGGTGTCCTGTCTCCTGCA[G>C]CGCGAGATGGTCTACTGCCTGGAGCAGGGCCTCATCCACCGCTGTGCCAGCCAGTGCGTC-3'

ClinVar aggregate classification (germline): Pathogenic (1 of 4 stars; one submission).

Conditions:
Tuberous sclerosis 2 (TSC2). Identifiers: Orphanet 805, MedGen C1860707, MONDO:0013199, OMIM 613254.

Submission:

Labcorp Genetics (formerly Invitae), Labcorp
Classification: Pathogenic for Tuberous sclerosis 2. Last evaluated: 2024-01-02. Review status: criteria provided, single submitter. Criteria: Invitae Variant Classification Sherloc (09022015). Collection method: clinical testing. Allele origin: germline.
Comment: This sequence change affects an acceptor splice site in intron 21 of the TSC2 gene. It is expected to disrupt RNA splicing. Variants that disrupt the donor or acceptor splice site typically lead to a loss of protein function (PMID: 16199547), and loss-of-function variants in TSC2 are known to be pathogenic (PMID: 10205261, 17304050). This variant is not present in population databases (gnomAD no frequency). Disruption of this splice site has been observed in individuals with tuberous sclerosis complex (PMID: 10330349, 10942116; Invitae). ClinVar contains an entry for this variant (Variation ID: 658503). Algorithms developed to predict the effect of sequence changes on RNA splicing suggest that this variant may disrupt the consensus splice site. For these reasons, this variant has been classified as Pathogenic.

Literature cited by the submitters: PubMed 16199547; PubMed 10205261; PubMed 17304050; PubMed 10330349; PubMed 10942116.